The following is an entry in ClinVar:

ClinVar aggregate classification (germline): Uncertain significance (1 of 4 stars; one submission).

Conditions:
Arrhythmogenic right ventricular cardiomyopathy (ARVD). Also called: Arrhythmogenic right ventricular dysplasia; Cardiomyopathy, ARVC; Arrhythmogenic cardiomyopathy; Arrhythmogenic Right Ventricular Cardiomyopathy (ARVC). Identifiers: Orphanet 247, MedGen C0349788, MeSH D019571, MONDO:0016587. Disease mechanism: loss of function. Inheritance: Various modes of inheritance.

Allele frequency attached by ClinVar (database versions not stated): ExAC 0.00001.

Submission:

All of Us Research Program, National Institutes of Health
Classification: Uncertain significance for Arrhythmogenic right ventricular cardiomyopathy. Last evaluated: 2023-08-15. Review status: criteria provided, single submitter. Criteria: ACMG Guidelines, 2015. Collection method: clinical testing. Allele origin: germline. Inheritance: Autosomal dominant inheritance. Observed: 1 variant allele, 1 heterozygote.
Comment: This missense variant replaces glutamic acid with aspartic acid at codon 149 of the PKP2 protein. Computational prediction suggests that this variant may not impact protein structure and function (internally defined REVEL score threshold <= 0.5, PMID: 27666373). To our knowledge, functional studies have not been reported for this variant. This variant has not been reported in individuals affected with PKP2-related disorders in the literature. This variant has been identified in 2/251454 chromosomes in the general population by the Genome Aggregation Database (gnomAD). The available evidence is insufficient to determine the role of this variant in disease conclusively. Therefore, this variant is classified as a Variant of Uncertain Significance.

This study involves interpretation of variants in research participants for the purpose of population health screening. Participant phenotype was not available at the time of variant classification. Additional details can be found in publication PMID: 35346344, PMCID: PMC8962531

NM_001005242.3(PKP2):c.447G>T (p.Glu149Asp)

Gene: PKP2 (plakophilin 2; minus strand). Cytogenetic location: 12p11.21.
Variant type: single nucleotide variant.
Coding change: c.447G>T on transcript NM_001005242.3 (MANE Select); coding-DNA position 447, G replaced by T.
Protein change: p.Glu149Asp; replaces glutamic acid 149 with aspartic acid.
Molecular consequence: missense variant.
Genome position (GRCh38, 1-based): chr12:32,878,433, C>A on the plus strand (G>T on the coding strand, the complement: PKP2 is on the minus strand). VCF-style: chr12-32878433-C-A. GRCh37 (hg19) VCF-style: chr12-33031367-C-A.
Other names: c.447G>T, p.Glu149Asp (NM_001407155.1, NM_001407156.1, NM_001407157.1 and 2 more transcripts); c.120G>T, p.Glu40Asp (NM_001407158.1, NM_001407159.1, NM_001407160.1 and 1 more transcripts); short protein forms E149D, E40D.
Identifiers: ClinVar variation 3072962 (VCV003072962.1), dbSNP rs778151977, ClinGen allele CA037368.
Genomic context (GRCh38, chr12:32,878,433, plus strand): 5'-GCTGTACTGGTAATCGCTGTGCGTGTAGTGAGCCCTCTCCGGGCTGCTGTCAGGAGAAAT[C>A]TCCAGTCTCCTCAGAGGATGCCTCAAGGACCTTTCTTCCACGGACTTCTGGGAGCTGTAC-3'
Protein context (NP_001005242.2, residues 139-159): RSLRHPLRRL[Glu149Asp]ISPDSSPERA